The following is an entry in ClinVar:

ClinVar aggregate classification (germline): Uncertain significance. Review status: criteria provided, single submitter (1 of 4 stars). 2 submissions from 2 submitters: Uncertain significance (1). 1 of the submissions does not count toward it. Last evaluated 2025-05-06.

Conditions:
Intellectual disability. Also called: intellectual disabilities; Intellectual developmental disorder; Intellectual functioning disability. Identifiers: MedGen C3714756, MeSH D008607, MONDO:0001071, HP:0001249.

Allele frequency attached by ClinVar (database versions not stated): gnomAD exomes 0.00002; TOPMed 0.00002; gnomAD 0.00001.

Submissions (2):

Women's Health and Genetics/Laboratory Corporation of America, LabCorp
Classification: Uncertain significance. Last evaluated: 2025-05-06. Review status: criteria provided, single submitter. Criteria: LabCorp Variant Classification Summary - May 2015. Collection method: clinical testing. Allele origin: germline.
Comment: Variant summary: FGD1 c.514C>T (p.Arg172Trp) results in a non-conservative amino acid change in the encoded protein sequence. Algorithms developed to predict the effect of missense changes on protein structure and function are either unavailable or do not agree on the potential impact of this missense change. The variant allele was found at a frequency of 1.8e-05 in 110944 control chromosomes. The available data on variant occurrences in the general population are insufficient to allow any conclusion about variant significance. To our knowledge, no occurrence of c.514C>T in individuals affected with FGFR1-Related Disorders and no experimental evidence demonstrating its impact on protein function have been reported. ClinVar contains an entry for this variant (Variation ID: 975700). Based on the evidence outlined above, the variant was classified as uncertain significance.

Centre de Biologie Pathologie Génétique, Centre Hospitalier Universitaire de Lille
Classification: Likely benign for Intellectual disability. Last evaluated: 2019-01-01. Review status: no assertion criteria provided. Collection method: clinical testing. Allele origin: inherited. Affected: yes. Not counted in ClinVar's aggregate classification.

NM_004463.3(FGD1):c.514C>T (p.Arg172Trp)

Gene: FGD1 (FYVE, RhoGEF and PH domain containing 1; minus strand). Cytogenetic location: Xp11.22.
Variant type: single nucleotide variant.
Coding change: c.514C>T on transcript NM_004463.3 (MANE Select); coding-DNA position 514, C replaced by T.
Protein change: p.Arg172Trp; replaces arginine 172 with tryptophan.
Molecular consequence: missense variant.
Genome position (GRCh38, 1-based): chrX:54,470,728, G>A on the plus strand (C>T on the coding strand, the complement: FGD1 is on the minus strand). VCF-style: chrX-54470728-G-A. GRCh37 (hg19) VCF-style: chrX-54497161-G-A.
Other names: short protein forms R172W.
Identifiers: ClinVar variation 975700 (VCV000975700.2), dbSNP rs1222189428, ClinGen allele CA413249582.